The following is an entry in ClinVar:

NM_000455.5(STK11):c.420G>C (p.Leu140=)

Gene: STK11 (serine/threonine kinase 11; plus strand). Cytogenetic location: 19p13.3.
Variant type: single nucleotide variant.
Coding change: c.420G>C on transcript NM_000455.5 (MANE Select); coding-DNA position 420, G replaced by C.
Protein change: p.Leu140=; no amino-acid change (leucine 140 retained).
Molecular consequence: synonymous variant. On other transcripts: non-coding transcript variant (1).
Genome position (GRCh38, 1-based): chr19:1,219,369, G>C. VCF-style: chr19-1219369-G-C. GRCh37 (hg19) VCF-style: chr19-1219368-G-C.
Other names: c.420G>C, p.Leu140= (NM_001407255.1).
Identifiers: ClinVar variation 1738739 (VCV001738739.4), dbSNP rs2145422349, ClinGen allele CA504706604.

ClinVar aggregate classification (germline): Benign/Likely benign. Review status: criteria provided, multiple submitters, no conflicts (2 of 4 stars). 3 submissions from 3 submitters: Benign (1); Likely benign (2). Last evaluated 2025-04-22.

Conditions:
Peutz-Jeghers syndrome (PJS). Also called: POLYPOSIS, HAMARTOMATOUS INTESTINAL; POLYPS-AND-SPOTS SYNDROME; Peutz-Jeghers polyposis; Periorificial lentiginosis syndrome. Identifiers: Orphanet 2869, MedGen C0031269, MeSH D010580, MONDO:0008280, OMIM 175200.
Hereditary cancer-predisposing syndrome. Also called: Neoplastic Syndromes, Hereditary; Tumor predisposition; Hereditary Cancer Syndrome; Hereditary neoplastic syndrome. Identifiers: Orphanet 140162, MedGen C0027672, MeSH D009386, MONDO:0015356.

Allele frequency attached by ClinVar (database versions not stated): gnomAD exomes below 0.00001.
gnomAD v4.1: 1 of 1,599,530 alleles (0.000063%); highest among the groups gnomAD compares: South Asian, 0.0011%; no homozygotes.

Submissions (3):

Labcorp Genetics (formerly Invitae), Labcorp
Classification: Likely benign for Peutz-Jeghers syndrome. Last evaluated: 2025-04-22. Review status: criteria provided, single submitter. Criteria: Invitae Variant Classification Sherloc (09022015). Collection method: clinical testing. Allele origin: germline.

Myriad Genetics, Inc.
Classification: Benign for Peutz-Jeghers syndrome. Last evaluated: 2025-03-26. Review status: criteria provided, single submitter. Criteria: Myriad Autosomal Dominant, Autosomal Recessive and X-Linked Classification Criteria (2023). Collection method: clinical testing. Allele origin: unknown.
Comment: This variant is considered benign. This variant is a silent/synonymous amino acid change and it is not expected to impact splicing.

Ambry Genetics
Classification: Likely benign for Hereditary cancer-predisposing syndrome. Last evaluated: 2020-12-02. Review status: criteria provided, single submitter. Criteria: Ambry Variant Classification Scheme 2023. Collection method: clinical testing. Allele origin: germline.